The following is an entry in ClinVar:

NM_000059.4(BRCA2):c.5275G>A (p.Asp1759Asn)

Gene: BRCA2 (BRCA2 DNA repair associated; plus strand). Cytogenetic location: 13q13.1.
Variant type: single nucleotide variant.
Coding change: c.5275G>A on transcript NM_000059.4 (MANE Select); coding-DNA position 5275, G replaced by A.
Protein change: p.Asp1759Asn; replaces aspartic acid 1759 with asparagine.
Molecular consequence: missense variant. On other transcripts: non-coding transcript variant (1), intron variant (2).
Genome position (GRCh38, 1-based): chr13:32,339,630, G>A. VCF-style: chr13-32339630-G-A. GRCh37 (hg19) VCF-style: chr13-32913767-G-A.
Other names: c.5275G>A, p.Asp1759Asn (NM_001406719.1, NM_001406720.1, NM_001432077.1); c.1910-4928G>A (NM_001406721.1); c.425-4928G>A (NM_001406722.1); short protein forms D1759N.
Identifiers: ClinVar variation 5033232 (VCV005033232.1).

ClinVar aggregate classification (germline): Uncertain significance (1 of 4 stars; one submission).

Conditions:
Hereditary cancer-predisposing syndrome. Also called: Neoplastic Syndromes, Hereditary; Tumor predisposition; Hereditary neoplastic syndrome; Hereditary Cancer Syndrome. Identifiers: Orphanet 140162, MedGen C0027672, MeSH D009386, MONDO:0015356.

Submission:

Ambry Genetics
Classification: Uncertain significance for Hereditary cancer-predisposing syndrome. Last evaluated: 2026-07-06. Review status: criteria provided, single submitter. Criteria: Ambry Variant Classification Scheme 2023. Collection method: clinical testing. Allele origin: germline.
Comment: The p.D1759N variant (also known as c.5275G>A), located in coding exon 10 of the BRCA2 gene, results from a G to A substitution at nucleotide position 5275. The aspartic acid at codon 1759 is replaced by asparagine, an amino acid with highly similar properties. This amino acid position is conserved. In addition, this alteration is predicted to be tolerated by in silico analysis. Based on the available evidence, the clinical significance of this variant remains unclear.